The following is an entry in ClinVar:

NM_006947.4(SRP72):c.1103A>G (p.His368Arg)

Gene: SRP72 (signal recognition particle 72; plus strand). Cytogenetic location: 4q12.
Variant type: single nucleotide variant.
Coding change: c.1103A>G on transcript NM_006947.4 (MANE Select); coding-DNA position 1103, A replaced by G.
Protein change: p.His368Arg; replaces histidine 368 with arginine.
Molecular consequence: missense variant. On other transcripts: non-coding transcript variant (1).
Genome position (GRCh38, 1-based): chr4:56,486,341, A>G. VCF-style: chr4-56486341-A-G. GRCh37 (hg19) VCF-style: chr4-57352507-A-G.
Other names: c.920A>G, p.His307Arg (NM_001267722.2); short protein forms H368R, H307R.
Identifiers: ClinVar variation 4174897 (VCV004174897.1).

ClinVar aggregate classification (germline): Uncertain significance (1 of 4 stars; one submission).

gnomAD v4.1: 4 of 1,605,796 alleles (0.00025%); highest among the groups gnomAD compares: Non-Finnish European, 0.00034%; no homozygotes.

Submission:

Ambry Genetics
Classification: Uncertain significance. Last evaluated: 2025-06-19. Review status: criteria provided, single submitter. Criteria: Ambry Variant Classification Scheme 2023. Collection method: clinical testing. Allele origin: germline.
Comment: The p.H368R variant (also known as c.1103A>G), located in coding exon 11 of the SRP72 gene, results from an A to G substitution at nucleotide position 1103. The histidine at codon 368 is replaced by arginine, an amino acid with highly similar properties. This amino acid position is conserved. In addition, this alteration is predicted to be tolerated by in silico analysis. Based on the available evidence, the clinical significance of this variant remains unclear.